The following is an entry in ClinVar:

NM_000257.4(MYH7):c.3994G>T (p.Ala1332Ser)

Gene: MYH7 (myosin heavy chain 7; minus strand). Cytogenetic location: 14q11.2.
Variant type: single nucleotide variant.
Coding change: c.3994G>T on transcript NM_000257.4 (MANE Select); coding-DNA position 3994, G replaced by T.
Protein change: p.Ala1332Ser; replaces alanine 1332 with serine.
Molecular consequence: missense variant.
Genome position (GRCh38, 1-based): chr14:23,418,385, C>A on the plus strand (G>T on the coding strand, the complement: MYH7 is on the minus strand). VCF-style: chr14-23418385-C-A. GRCh37 (hg19) VCF-style: chr14-23887594-C-A.
Other names: short protein forms A1332S.
Identifiers: ClinVar variation 1472662 (VCV001472662.6), dbSNP rs397516198, ClinGen allele CA389041281.

ClinVar aggregate classification (germline): Uncertain significance (1 of 4 stars; one submission).

Conditions:
Hypertrophic cardiomyopathy. Also called: HYPERTROPHIC MYOCARDIOPATHY. Identifiers: Orphanet 217569, MedGen C0007194, MeSH D002312, MONDO:0005045, HP:0001639.

Submission:

Labcorp Genetics (formerly Invitae), Labcorp
Classification: Uncertain significance for Hypertrophic cardiomyopathy. Last evaluated: 2021-09-08. Review status: criteria provided, single submitter. Criteria: Invitae Variant Classification Sherloc (09022015). Collection method: clinical testing. Allele origin: germline.
Comment: Algorithms developed to predict the effect of missense changes on protein structure and function are either unavailable or do not agree on the potential impact of this missense change (SIFT: "Deleterious"; PolyPhen-2: "Possibly Damaging"; Align-GVGD: "Class C0"). In summary, the available evidence is currently insufficient to determine the role of this variant in disease. Therefore, it has been classified as a Variant of Uncertain Significance. This variant has not been reported in the literature in individuals affected with MYH7-related conditions. This variant is not present in population databases (ExAC no frequency). This sequence change replaces alanine with serine at codon 1332 of the MYH7 protein (p.Ala1332Ser). The alanine residue is highly conserved and there is a moderate physicochemical difference between alanine and serine.